The following is an entry in ClinVar:

NM_000260.4(MYO7A):c.3821C>T (p.Thr1274Met)

Gene: MYO7A (myosin VIIA; plus strand). Cytogenetic location: 11q13.5.
Variant type: single nucleotide variant.
Coding change: c.3821C>T on transcript NM_000260.4 (MANE Select); coding-DNA position 3821, C replaced by T.
Protein change: p.Thr1274Met; replaces threonine 1274 with methionine.
Molecular consequence: missense variant.
Genome position (GRCh38, 1-based): chr11:77,190,767, C>T. VCF-style: chr11-77190767-C-T. GRCh37 (hg19) VCF-style: chr11-76901812-C-T.
Other names: c.3821C>T (NM_000260.3); c.3821C>T, p.Thr1274Met (NM_001127180.2); c.3788C>T, p.Thr1263Met (NM_001369365.1); short protein forms T1263M, T1274M.
Identifiers: ClinVar variation 2155300 (VCV002155300.6), dbSNP rs768618552, ClinGen allele CA6198208.

ClinVar aggregate classification (germline): Uncertain significance. Review status: criteria provided, multiple submitters, no conflicts (2 of 4 stars). 4 submissions from 4 submitters: Uncertain significance (4). Last evaluated 2025-12-15.

Conditions:
MYO7A-related disorder. Also called: MYO7A-related disorders.
Inborn genetic diseases. Identifiers: MedGen C0950123, MeSH D030342.

Allele frequency attached by ClinVar (database versions not stated): gnomAD 0.00002; TOPMed 0.00005; ExAC 0.00009.
gnomAD v4.1: 28 of 1,599,222 alleles (0.0018%); highest among the groups gnomAD compares: African/African-American, 0.0027%; no homozygotes.

Submissions (4):

PreventionGenetics, part of Exact Sciences
Classification: Uncertain significance for MYO7A-related condition. Last evaluated: 2025-12-15. Review status: criteria provided, single submitter. Criteria: ACMG Guidelines, 2015. Collection method: clinical testing. Allele origin: germline.
Comment: The MYO7A c.3821C>T variant is predicted to result in the amino acid substitution p.Thr1274Met. To our knowledge, this variant has not been reported in the literature. This variant is reported in 0.0099% of alleles in individuals of European (Finnish) descent in gnomAD. At this time, the clinical significance of this variant is uncertain due to the absence of conclusive functional and genetic evidence.

Labcorp Genetics (formerly Invitae), Labcorp
Classification: Uncertain significance. Last evaluated: 2025-07-28. Review status: criteria provided, single submitter. Criteria: Invitae Variant Classification Sherloc (09022015). Collection method: clinical testing. Allele origin: germline.
Comment: This sequence change replaces threonine, which is neutral and polar, with methionine, which is neutral and non-polar, at codon 1274 of the MYO7A protein (p.Thr1274Met). The frequency data for this variant in the population databases is considered unreliable, as metrics indicate poor data quality at this position in the gnomAD database. This variant has not been reported in the literature in individuals affected with MYO7A-related conditions. ClinVar contains an entry for this variant (Variation ID: 2155300). Invitae Evidence Modeling of protein sequence and biophysical properties (such as structural, functional, and spatial information, amino acid conservation, physicochemical variation, residue mobility, and thermodynamic stability) indicates that this missense variant is not expected to disrupt MYO7A protein function with a negative predictive value of 95%. In summary, the available evidence is currently insufficient to determine the role of this variant in disease. Therefore, it has been classified as a Variant of Uncertain Significance.

Ambry Genetics
Classification: Uncertain significance for Inborn genetic diseases. Last evaluated: 2024-10-08. Review status: criteria provided, single submitter. Criteria: Ambry Variant Classification Scheme 2023. Collection method: clinical testing. Allele origin: germline.

GeneDx
Classification: Uncertain significance. Last evaluated: 2022-08-23. Review status: criteria provided, single submitter. Criteria: GeneDx Variant Classification Process June 2021. Collection method: clinical testing. Allele origin: germline. Affected: yes.
Comment: In silico analysis supports that this missense variant does not alter protein structure/function; Has not been previously published as pathogenic or benign to our knowledge